The following is an entry in ClinVar:

NM_173651.4(FSIP2):c.19209T>C (p.Ser6403=)

Gene: FSIP2 (fibrous sheath interacting protein 2; plus strand). Cytogenetic location: 2q32.1.
Variant type: single nucleotide variant.
Coding change: c.19209T>C on transcript NM_173651.4 (MANE Select); coding-DNA position 19209, T replaced by C.
Protein change: p.Ser6403=; no amino-acid change (serine 6403 retained).
Molecular consequence: synonymous variant.
Genome position (GRCh38, 1-based): chr2:185,808,515, T>C. VCF-style: chr2-185808515-T-C. GRCh37 (hg19) VCF-style: chr2-186673242-T-C.
Identifiers: ClinVar variation 3025722 (VCV003025722.22), dbSNP rs751406937, ClinGen allele CA2017669.

ClinVar aggregate classification (germline): Likely benign (1 of 4 stars; one submission).

Allele frequency attached by ClinVar (database versions not stated): gnomAD exomes 0.00001; gnomAD 0.00003; TOPMed 0.00003; ExAC 0.00007.
gnomAD v4.1: 24 of 1,611,562 alleles (0.0015%); highest among the groups gnomAD compares: Non-Finnish European, 0.0019%; no homozygotes.

Submission:

CeGaT Center for Human Genetics Tuebingen
Classification: Likely benign. Last evaluated: 2023-12-01. Review status: criteria provided, single submitter. Criteria: CeGaT Center For Human Genetics Tuebingen Variant Classification Criteria Version 2. Collection method: clinical testing. Allele origin: germline. Affected: yes. Observed: 1 variant allele.
Comment: FSIP2: BP4, BP7